The following is an entry in ClinVar:

NM_000312.4(PROC):c.907_908del (p.Leu303fs)

Gene: PROC (protein C, inactivator of coagulation factors Va and VIIIa; plus strand). Cytogenetic location: 2q14.3.
Variant type: Deletion.
Coding change: c.907_908del on transcript NM_000312.4 (MANE Select); coding-DNA positions 907 to 908, 2 bases deleted (CT; older notation c.907_908delCT).
Protein change: p.Leu303fs; shifts the reading frame from leucine 303.
Molecular consequence: frameshift variant.
Genome position (GRCh38, 1-based): chr2:127,428,467-127,428,468, CT deleted. VCF-style (leftmost placement, unchanged base first): chr2-127428466-GCT-G. GRCh37 (hg19) VCF-style: chr2-128186042-GCT-G.
Other names: p.Leu303Alafs*69; c.907_908del (NM_000312.3); c.907_908delCT, p.Leu303Alafs (NM_000312.3); c.1090_1091del, p.Leu364fs (NM_001375602.1); c.1072_1073del, p.Leu358fs (NM_001375603.1); c.970_971del, p.Leu324fs (NM_001375604.1); c.1009_1010del, p.Leu337fs (NM_001375605.1); c.1075_1076del, p.Leu359fs (NM_001375606.1); and 5 more; short protein forms L284fs, L359fs, L295fs, L303fs, L324fs, L364fs, L301fs, L337fs.
Identifiers: ClinVar variation 2203147 (VCV002203147.6), dbSNP rs2468376955, ClinGen allele CA2580063829.
Genomic context (GRCh38, chr2:127,428,466, plus strand): 5'-CAAGGAGGTCTTCGTCCACCCCAACTACAGCAAGAGCACCACCGACAATGACATCGCACT[GCT>G]GCACCTGGCCCAGCCCGCCACCCTCTCGCAGACCATAGTGCCCATCTGCCTCCCGGACAG-3'

ClinVar aggregate classification (germline): Pathogenic/Likely pathogenic. Review status: criteria provided, multiple submitters, no conflicts (2 of 4 stars). 2 submissions from 2 submitters: Pathogenic (1); Likely pathogenic (1). Last evaluated 2024-02-12.

Conditions:
Thrombophilia due to protein C deficiency, autosomal dominant. Also called: PROC DEFICIENCY, AUTOSOMAL DOMINANT; PROTEIN C DEFICIENCY, AUTOSOMAL DOMINANT. Identifiers: Orphanet 745, MedGen C2674321, MONDO:0008316, OMIM 176860. Disease mechanism: loss of function.

Allele frequency attached by ClinVar (database versions not stated): gnomAD exomes below 0.00001.

Submissions (2):

Mayo Clinic Laboratories, Mayo Clinic
Classification: Likely pathogenic. Last evaluated: 2024-02-12. Review status: criteria provided, single submitter. Criteria: ACMG Guidelines, 2015. Collection method: clinical testing. Allele origin: germline.
Comment: PM2_moderate, PS4_moderate, PVS1_strong

Labcorp Genetics (formerly Invitae), Labcorp
Classification: Pathogenic for Thrombophilia due to protein C deficiency, autosomal dominant. Last evaluated: 2022-08-04. Review status: criteria provided, single submitter. Criteria: Invitae Variant Classification Sherloc (09022015). Collection method: clinical testing. Allele origin: germline.
Comment: For these reasons, this variant has been classified as Pathogenic. This variant disrupts a region of the PROC protein in which other variant(s) (p.Pro405Alafs*20) have been determined to be pathogenic (PMID: 7670104, 25039884, 29356699). This suggests that this is a clinically significant region of the protein, and that variants that disrupt it are likely to be disease-causing. This variant is also known as 8496/7, del 2 nt. This premature translational stop signal has been observed in individuals with protein C deficiency (PMID: 11336399; Invitae). This variant is not present in population databases (gnomAD no frequency). This sequence change creates a premature translational stop signal (p.Leu303Alafs*69) in the PROC gene. While this is not anticipated to result in nonsense mediated decay, it is expected to disrupt the last 159 amino acid(s) of the PROC protein.

Literature cited by the submitters: PubMed 11336399 (cited by Mayo Clinic Laboratories, Mayo Clinic and Labcorp Genetics (formerly Invitae), Labcorp); PubMed 7670104 (cited by Labcorp Genetics (formerly Invitae), Labcorp); PubMed 25039884 (cited by Labcorp Genetics (formerly Invitae), Labcorp); PubMed 29356699 (cited by Labcorp Genetics (formerly Invitae), Labcorp).